The following is an entry in ClinVar:

ClinVar aggregate classification (germline): Conflicting classifications of pathogenicity. Review status: criteria provided, conflicting classifications (1 of 4 stars). 2 submissions from 2 submitters: Uncertain significance (1); Likely benign (1). Last evaluated 2025-07-18.

Conditions:
Hereditary cancer-predisposing syndrome. Also called: Tumor predisposition; Hereditary neoplastic syndrome; Neoplastic Syndromes, Hereditary; Hereditary Cancer Syndrome. Identifiers: Orphanet 140162, MedGen C0027672, MeSH D009386, MONDO:0015356.
EGFR-related lung cancer (EGFR). Identifiers: MedGen CN130014.

Allele frequency attached by ClinVar (database versions not stated): TOPMed below 0.00001.
gnomAD v4.1: 2 of 1,505,826 alleles (0.00013%); highest among the groups gnomAD compares: Admixed American, 0.002%; no homozygotes.

Submissions (2):

Ambry Genetics
Classification: Likely benign for Hereditary cancer-predisposing syndrome. Last evaluated: 2025-07-18. Review status: criteria provided, single submitter. Criteria: Ambry Variant Classification Scheme 2023. Collection method: clinical testing. Allele origin: germline.

Labcorp Genetics (formerly Invitae), Labcorp
Classification: Uncertain significance for EGFR-related lung cancer. Last evaluated: 2022-09-13. Review status: criteria provided, single submitter. Criteria: Invitae Variant Classification Sherloc (09022015). Collection method: clinical testing. Allele origin: germline.
Comment: This sequence change replaces serine, which is neutral and polar, with tyrosine, which is neutral and polar, at codon 4 of the EGFR protein (p.Ser4Tyr). The frequency data for this variant in the population databases is considered unreliable, as metrics indicate poor data quality at this position in the gnomAD database. This variant has not been reported in the literature in individuals affected with EGFR-related conditions. ClinVar contains an entry for this variant (Variation ID: 957645). Algorithms developed to predict the effect of missense changes on protein structure and function output the following: SIFT: "Deleterious"; PolyPhen-2: "Probably Damaging"; Align-GVGD: "Class C0". The tyrosine amino acid residue is found in multiple mammalian species, which suggests that this missense change does not adversely affect protein function. In summary, the available evidence is currently insufficient to determine the role of this variant in disease. Therefore, it has been classified as a Variant of Uncertain Significance.

NM_005228.5(EGFR):c.11C>A (p.Ser4Tyr)

Gene: EGFR (epidermal growth factor receptor; plus strand). Cytogenetic location: 7p11.2.
Variant type: single nucleotide variant.
Coding change: c.11C>A on transcript NM_005228.5 (MANE Select); coding-DNA position 11, C replaced by A.
Protein change: p.Ser4Tyr; replaces serine 4 with tyrosine.
Molecular consequence: missense variant.
Genome position (GRCh38, 1-based): chr7:55,019,288, C>A. VCF-style: chr7-55019288-C-A. GRCh37 (hg19) VCF-style: chr7-55086981-C-A.
Other names: c.11C>A, p.Ser4Tyr (NM_001346897.2, NM_001346898.2, NM_001346899.2 and 4 more transcripts); short protein forms S4Y.
Identifiers: ClinVar variation 957645 (VCV000957645.8), dbSNP rs771210838, ClinGen allele CA367611180.